The following is an entry in ClinVar:

NM_001035.3(RYR2):c.7196T>A (p.Leu2399Ter)

Gene: RYR2 (ryanodine receptor 2; plus strand). Cytogenetic location: 1q43.
Variant type: single nucleotide variant.
Coding change: c.7196T>A on transcript NM_001035.3 (MANE Select); coding-DNA position 7196, T replaced by A.
Protein change: p.Leu2399Ter; replaces leucine 2399 with a stop codon.
Molecular consequence: nonsense.
Genome position (GRCh38, 1-based): chr1:237,640,977, T>A. VCF-style: chr1-237640977-T-A. GRCh37 (hg19) VCF-style: chr1-237804277-T-A.
Other names: c.7196T>A, p.Leu2399Ter (LRG_402t1); short protein forms L2399*.
Identifiers: ClinVar variation 664138 (VCV000664138.10), dbSNP rs1573284644, ClinGen allele CA345396779.

ClinVar aggregate classification (germline): Uncertain significance (1 of 4 stars; one submission).

Conditions:
Catecholaminergic polymorphic ventricular tachycardia 1. Also called: VENTRICULAR TACHYCARDIA, CATECHOLAMINERGIC POLYMORPHIC, 1, WITH OR WITHOUT ATRIAL DYSFUNCTION AND/OR DILATED CARDIOMYOPATHY; VENTRICULAR TACHYCARDIA, STRESS-INDUCED POLYMORPHIC 1; RYR2-Related Catecholaminergic Polymorphic Ventricular Tachycardia. Identifiers: Orphanet 3286, MedGen C1631597, MONDO:0011484, OMIM 604772.

Submission:

Labcorp Genetics (formerly Invitae), Labcorp
Classification: Uncertain significance for Catecholaminergic polymorphic ventricular tachycardia 1. Last evaluated: 2021-12-07. Review status: criteria provided, single submitter. Criteria: Invitae Variant Classification Sherloc (09022015). Collection method: clinical testing. Allele origin: germline.
Comment: This sequence change creates a premature translational stop signal (p.Leu2399*) in the RYR2 gene. It is expected to result in an absent or disrupted protein product. However, the current clinical and genetic evidence is not sufficient to establish whether loss-of-function variants in RYR2 cause disease. This variant is not present in population databases (gnomAD no frequency). This variant has not been reported in the literature in individuals affected with RYR2-related conditions. ClinVar contains an entry for this variant (Variation ID: 664138). Algorithms developed to predict the effect of sequence changes on RNA splicing suggest that this variant may create or strengthen a splice site. In summary, the available evidence is currently insufficient to determine the role of this variant in disease. Therefore, it has been classified as a Variant of Uncertain Significance.